The following is an entry in ClinVar:

ClinVar aggregate classification (germline): Uncertain significance. Review status: criteria provided, multiple submitters, no conflicts (2 of 4 stars). 3 submissions from 3 submitters: Uncertain significance (3). Last evaluated 2025-04-29.

Conditions:
Bethlem myopathy 1A. Also called: Bethlem myopathy 1; MYOPATHY, BENIGN CONGENITAL, WITH CONTRACTURES; Bethlem Muscular Dystrophy. Identifiers: Orphanet 610, MedGen CN029274, MONDO:0024530, OMIM 158810.

Allele frequency attached by ClinVar (database versions not stated): gnomAD exomes below 0.00001 and 0.00001; TOPMed below 0.00001; ExAC 0.00001; gnomAD 0.00001.

Submissions (3):

Labcorp Genetics (formerly Invitae), Labcorp
Classification: Uncertain significance for Bethlem myopathy 1A. Last evaluated: 2025-04-29. Review status: criteria provided, single submitter. Criteria: Invitae Variant Classification Sherloc (09022015). Collection method: clinical testing. Allele origin: germline.
Comment: This sequence change replaces glycine, which is neutral and non-polar, with aspartic acid, which is acidic and polar, at codon 112 of the COL6A2 protein (p.Gly112Asp). The frequency data for this variant in the population databases is considered unreliable, as metrics indicate poor data quality at this position in the gnomAD database. This variant has not been reported in the literature in individuals affected with COL6A2-related conditions. ClinVar contains an entry for this variant (Variation ID: 429713). Invitae Evidence Modeling of protein sequence and biophysical properties (such as structural, functional, and spatial information, amino acid conservation, physicochemical variation, residue mobility, and thermodynamic stability) indicates that this missense variant is not expected to disrupt COL6A2 protein function with a negative predictive value of 80%. In summary, the available evidence is currently insufficient to determine the role of this variant in disease. Therefore, it has been classified as a Variant of Uncertain Significance.

Revvity Omics, Revvity
Classification: Uncertain significance. Last evaluated: 2024-10-15. Review status: criteria provided, single submitter. Criteria: ACMG Guidelines, 2015. Collection method: clinical testing. Allele origin: germline.

GeneDx
Classification: Uncertain significance. Last evaluated: 2017-05-10. Review status: criteria provided, single submitter. Criteria: GeneDx Variant Classification (06012015). Collection method: clinical testing. Allele origin: germline. Affected: yes.
Comment: A variant of uncertain significance has been identified in the COL6A2 gene. The G112D variant has not been published as a pathogenic variant, nor has it been reported as a benign variant to our knowledge. The G112D variant is not observed at a significant frequency in large population cohorts (Lek et al., 2016; 1000 Genomes Consortium et al., 2015; Exome Variant Server). The G112D variant is a non-conservative amino acid substitution, which is likely to impact secondary protein structure as these residues differ in polarity, charge, size and/or other properties. However, this substitution occurs at a position that is not conserved. In silico analysis is inconsistent in its predictions as to whether or not the variant is damaging to the protein structure/function. Therefore, based on the currently available information, it is unclear whether this variant is a pathogenic variant or a rare benign variant.

NM_001849.4(COL6A2):c.335G>A (p.Gly112Asp)

Gene: COL6A2 (collagen type VI alpha 2 chain; plus strand). Cytogenetic location: 21q22.3.
Variant type: single nucleotide variant.
Coding change: c.335G>A on transcript NM_001849.4 (MANE Select); coding-DNA position 335, G replaced by A.
Protein change: p.Gly112Asp; replaces glycine 112 with aspartic acid.
Molecular consequence: missense variant.
Genome position (GRCh38, 1-based): chr21:46,112,198, G>A. VCF-style: chr21-46112198-G-A. GRCh37 (hg19) VCF-style: chr21-47532112-G-A.
Other names: c.335G>A, p.Gly112Asp (NM_058174.3, NM_058175.3); short protein forms G112D.
Identifiers: ClinVar variation 429713 (VCV000429713.11), dbSNP rs776732203, ClinGen allele CA10071265.